The following is an entry in ClinVar:

NM_020975.6(RET):c.341G>T (p.Arg114Leu)

Gene: RET (ret proto-oncogene; plus strand). Cytogenetic location: 10q11.21.
Variant type: single nucleotide variant.
Coding change: c.341G>T on transcript NM_020975.6 (MANE Select); coding-DNA position 341, G replaced by T.
Protein change: p.Arg114Leu; replaces arginine 114 with leucine.
Molecular consequence: missense variant. On other transcripts: intron variant (22).
Genome position (GRCh38, 1-based): chr10:43,102,345, G>T. VCF-style: chr10-43102345-G-T. GRCh37 (hg19) VCF-style: chr10-43597793-G-T.
Other names: c.341G>T, p.Arg114Leu (NM_001406743.1, NM_001406744.1, NM_001406759.1 and 16 more transcripts); c.338-126G>T (NM_001406764.1, NM_001406762.1, NM_001406761.1 and 4 more transcripts); c.337+1623G>T (NM_001406770.1, NM_001406766.1, NM_001406767.1 and 8 more transcripts); c.74-6686G>T (NM_001406784.1); c.74-9754G>T (NM_001406794.1, NM_001406792.1, NM_001406793.1); short protein forms R114L.
Identifiers: ClinVar variation 3012354 (VCV003012354.3), dbSNP rs76397662, ClinGen allele CA376770624.

ClinVar aggregate classification (germline): Uncertain significance (1 of 4 stars; one submission).

Conditions:
Multiple endocrine neoplasia, type 2 (MEN2). Identifiers: Orphanet 653, MedGen C4048306, MONDO:0019003. Disease mechanism: gain of function.

Submission:

Labcorp Genetics (formerly Invitae), Labcorp
Classification: Uncertain significance for Multiple endocrine neoplasia, type 2. Last evaluated: 2023-06-19. Review status: criteria provided, single submitter. Criteria: Invitae Variant Classification Sherloc (09022015). Collection method: clinical testing. Allele origin: germline.
Comment: This variant is not present in population databases (gnomAD no frequency). In summary, the available evidence is currently insufficient to determine the role of this variant in disease. Therefore, it has been classified as a Variant of Uncertain Significance. An algorithm developed to predict the effect of missense changes on protein structure and function (PolyPhen-2) suggests that this variant is likely to be tolerated. This variant has not been reported in the literature in individuals affected with RET-related conditions. This sequence change replaces arginine, which is basic and polar, with leucine, which is neutral and non-polar, at codon 114 of the RET protein (p.Arg114Leu).